The following is an entry in ClinVar:

GRCh38/hg38 4p15.33-15.31(chr4:14061129-20121834)x1

Genes: BST1 (bone marrow stromal cell antigen 1; plus strand), C1QTNF7 (C1q and TNF related 7; plus strand), C1QTNF7-AS1 (C1QTNF7 antisense RNA 1; minus strand), CC2D2A (coiled-coil and C2 domain containing 2A; plus strand), CD38 (CD38 molecule; plus strand) and 97 more. Cytogenetic location: 4p15.33-15.31.
Variant type: copy number loss.
Change: copy number 1 (one copy instead of two) of chr4:14,061,129-20,121,834 (6.06 Mb, GRCh38 coordinates, 1-based), cytogenetic band 4p15.33-15.31.
Identifiers: ClinVar variation 57509 (VCV000057509.1).

ClinVar aggregate classification (germline): Pathogenic (1 of 4 stars; one submission).

Submission:

ISCA site 4
Classification: Pathogenic. Last evaluated: 2011-08-12. Review status: criteria provided, single submitter. Criteria: Kaminsky et al. (Genet Med. 2011). Collection method: clinical testing. Allele origin: unknown. Affected: yes. Observed: 1 variant allele.
Comment: Copy number variation identified through the course of routine clinical cytogenomic testing in postnatal populations. Clinical assertions have been curated as described in Kaminsky et al. 2011.